The following is an entry in ClinVar:

ClinVar aggregate classification (germline): Uncertain significance (1 of 4 stars; one submission).

Conditions:
Inborn genetic diseases. Identifiers: MedGen C0950123, MeSH D030342.

gnomAD v4.1: 1 of 1,614,068 alleles (0.000062%); highest among the groups gnomAD compares: Non-Finnish European, 0.000085%; no homozygotes.

Submission:

Ambry Genetics
Classification: Uncertain significance for Inborn genetic diseases. Last evaluated: 2025-12-20. Review status: criteria provided, single submitter. Criteria: Ambry Variant Classification Scheme 2023. Collection method: clinical testing. Allele origin: germline.
Comment: The p.S967C variant (also known as c.2900C>G), located in coding exon 30 of the FANCA gene, results from a C to G substitution at nucleotide position 2900. The serine at codon 967 is replaced by cysteine, an amino acid with dissimilar properties. This amino acid position is conserved. In addition, the in silico prediction for this alteration is inconclusive. Based on the available evidence, the clinical significance of this variant remains unclear.

NM_000135.4(FANCA):c.2900C>G (p.Ser967Cys)

Gene: FANCA (FA complementation group A; minus strand). Cytogenetic location: 16q24.3.
Variant type: single nucleotide variant.
Coding change: c.2900C>G on transcript NM_000135.4 (MANE Select); coding-DNA position 2900, C replaced by G.
Protein change: p.Ser967Cys; replaces serine 967 with cysteine.
Molecular consequence: missense variant.
Genome position (GRCh38, 1-based): chr16:89,758,658, G>C on the plus strand (C>G on the coding strand, the complement: FANCA is on the minus strand). VCF-style: chr16-89758658-G-C. GRCh37 (hg19) VCF-style: chr16-89825066-G-C.
Other names: c.2900C>G, p.Ser967Cys (NM_001286167.3); short protein forms S967C.
Identifiers: ClinVar variation 4843014 (VCV004843014.1).
Genomic context (GRCh38, chr16:89,758,658, plus strand): 5'-GCGTTGACAAGAATGGTACACGCAGCCTGCAGGTCTCCGTCACAGCCCCCTGAAGCCGAG[G>C]ACTCAGGGAGAAAGTGCTCATGGATCGCCCACTGGTGGAAGTCCTGCCTAGAACAGCAAA-3'
Protein context (NP_000126.2, residues 957-977): WAIHEHFLPE[Ser967Cys]SASGGCDGDL